The following is an entry in ClinVar:

NM_002691.4(POLD1):c.-32A>G

Genes: POLD1 (DNA polymerase delta 1, catalytic subunit; plus strand), LOC130064984 (ATAC-STARR-seq lymphoblastoid silent region 10961; plus strand). Cytogenetic location: 19q13.33.
Variant type: single nucleotide variant.
Coding change: c.-32A>G on transcript NM_002691.4 (MANE Select); 32 bases upstream of the start codon, A replaced by G.
Molecular consequence: 5 prime UTR variant. On other transcripts: non-coding transcript variant (1).
Genome position (GRCh38, 1-based): chr19:50,384,360, A>G. VCF-style: chr19-50384360-A-G. GRCh37 (hg19) VCF-style: chr19-50887617-A-G.
Other names: c.-35A>G (NM_001256849.1).
Identifiers: ClinVar variation 382308 (VCV000382308.1), dbSNP rs1057521323, ClinGen allele CA16608225.

ClinVar aggregate classification (germline): Likely benign (1 of 4 stars; one submission).

Allele frequency attached by ClinVar (database versions not stated): gnomAD 0.00001; TOPMed 0.00001.

Submission:

GeneDx
Classification: Likely benign. Last evaluated: 2016-10-11. Review status: criteria provided, single submitter. Criteria: GeneDx Variant Classification (06012015). Collection method: clinical testing. Allele origin: germline. Affected: yes.
Comment: This variant is considered likely benign or benign based on one or more of the following criteria: it is a conservative change, it occurs at a poorly conserved position in the protein, it is predicted to be benign by multiple in silico algorithms, and/or has population frequency not consistent with disease.